The following is an entry in ClinVar:

NM_030662.4(MAP2K2):c.712C>T (p.Arg238Trp)

Gene: MAP2K2 (mitogen-activated protein kinase kinase 2; minus strand). Cytogenetic location: 19p13.3.
Variant type: single nucleotide variant.
Coding change: c.712C>T on transcript NM_030662.4 (MANE Select); coding-DNA position 712, C replaced by T.
Protein change: p.Arg238Trp; replaces arginine 238 with tryptophan.
Molecular consequence: missense variant.
Genome position (GRCh38, 1-based): chr19:4,099,408, G>A on the plus strand (C>T on the coding strand, the complement: MAP2K2 is on the minus strand). VCF-style: chr19-4099408-G-A. GRCh37 (hg19) VCF-style: chr19-4099406-G-A.
Other names: short protein forms R238W.
Identifiers: ClinVar variation 1757301 (VCV001757301.3), dbSNP rs1233377512, ClinGen allele CA403387959.

ClinVar aggregate classification (germline): Uncertain significance. Review status: criteria provided, multiple submitters, no conflicts (2 of 4 stars). 2 submissions from 2 submitters: Uncertain significance (2). Last evaluated 2023-04-20.

Conditions:
Cardiovascular phenotype. Identifiers: MedGen CN230736.
Cardiofaciocutaneous syndrome 4 (CFC4). Also called: MAP2K2-Related Cardiofaciocutaneous Syndrome. Identifiers: Orphanet 1340, MedGen C3809007, MONDO:0014114, OMIM 615280.

Allele frequency attached by ClinVar (database versions not stated): gnomAD exomes below 0.00001; TOPMed below 0.00001.
gnomAD v4.1: 6 of 1,603,486 alleles (0.00037%); highest among the groups gnomAD compares: South Asian, 0.0011%; no homozygotes.

Submissions (2):

ARUP Laboratories, Molecular Genetics and Genomics, ARUP Laboratories
Classification: Uncertain significance for Cardiofaciocutaneous syndrome 4. Last evaluated: 2023-04-20. Review status: criteria provided, single submitter. Criteria: ARUP Molecular Germline Variant Investigation Process 2024. Collection method: clinical testing. Allele origin: germline.
Comment: The MAP2K2 c.712C>T; p.Arg238Trp variant (rs1233377512), to our knowledge, is not reported in the medical literature but is reported in ClinVar (Variation ID: 1757301). This variant is found in the general population with an overall allele frequency of 0.0009% (2/230838 alleles, including) in the Genome Aggregation Database. Computational analyses predict that this variant is deleterious (REVEL: 0.744). However, given the lack of clinical and functional data, the significance of this variant is uncertain at this time.

Ambry Genetics
Classification: Uncertain significance for Cardiovascular phenotype. Last evaluated: 2022-05-07. Review status: criteria provided, single submitter. Criteria: Ambry Variant Classification Scheme 2023. Collection method: clinical testing. Allele origin: germline.
Comment: The p.R238W variant (also known as c.712C>T), located in coding exon 7 of the MAP2K2 gene, results from a C to T substitution at nucleotide position 712. The arginine at codon 238 is replaced by tryptophan, an amino acid with dissimilar properties. This amino acid position is conserved. In addition, the in silico prediction for this alteration is inconclusive. Since supporting evidence is limited at this time, the clinical significance of this alteration remains unclear.